The following is an entry in ClinVar:

ClinVar aggregate classification (germline): Uncertain significance (1 of 4 stars; one submission).

Conditions:
Inborn genetic diseases. Identifiers: MedGen C0950123, MeSH D030342.

Submission:

Ambry Genetics
Classification: Uncertain significance for Inborn genetic diseases. Last evaluated: 2022-04-21. Review status: criteria provided, single submitter. Criteria: Ambry Variant Classification Scheme 2023. Collection method: clinical testing. Allele origin: germline.
Comment: The p.E991K variant (also known as c.2971G>A), located in coding exon 23 of the BUB1B gene, results from a G to A substitution at nucleotide position 2971. The glutamic acid at codon 991 is replaced by lysine, an amino acid with similar properties. This amino acid position is conserved. In addition, this alteration is predicted to be tolerated by in silico analysis. Since supporting evidence is limited at this time, the clinical significance of this alteration remains unclear.

NM_001211.6(BUB1B):c.2971G>A (p.Glu991Lys)

Genes: BUB1B (BUB1 mitotic checkpoint serine/threonine kinase B; plus strand), BUB1B-PAK6 (BUB1B-PAK6 readthrough; plus strand). Cytogenetic location: 15q15.1.
Variant type: single nucleotide variant.
Coding change: c.2971G>A on transcript NM_001211.6 (MANE Select); coding-DNA position 2971, G replaced by A.
Protein change: p.Glu991Lys; replaces glutamic acid 991 with lysine.
Molecular consequence: missense variant. On other transcripts: intron variant (2).
Genome position (GRCh38, 1-based): chr15:40,220,577, G>A. VCF-style: chr15-40220577-G-A. GRCh37 (hg19) VCF-style: chr15-40512778-G-A.
Other names: c.-201+2910G>A (NM_001128628.3); c.-118+2910G>A (NM_001128629.3); short protein forms E991K.
Identifiers: ClinVar variation 1798293 (VCV001798293.2), dbSNP rs1566831710, ClinGen allele CA391689283.